The following is an entry in ClinVar:

ClinVar aggregate classification (germline): Uncertain significance (1 of 4 stars; one submission).

Conditions:
Myopathy, centronuclear, 2 (CNM2). Also called: MYOTUBULAR MYOPATHY, AUTOSOMAL RECESSIVE. Identifiers: Orphanet 169186, MedGen CN031787, MONDO:0009709, OMIM 255200.

Submission:

Labcorp Genetics (formerly Invitae), Labcorp
Classification: Uncertain significance for Myopathy, centronuclear, 2. Last evaluated: 2024-02-17. Review status: criteria provided, single submitter. Criteria: Invitae Variant Classification Sherloc (09022015). Collection method: clinical testing. Allele origin: germline.
Comment: This variant, c.969_980del, results in the deletion of 4 amino acid(s) of the BIN1 protein (p.Pro324_Thr327del), but otherwise preserves the integrity of the reading frame. This variant is present in population databases (no rsID available, gnomAD 0.005%). This variant has not been reported in the literature in individuals affected with BIN1-related conditions. ClinVar contains an entry for this variant (Variation ID: 1947490). Experimental studies and prediction algorithms are not available or were not evaluated, and the functional significance of this variant is currently unknown. In summary, the available evidence is currently insufficient to determine the role of this variant in disease. Therefore, it has been classified as a Variant of Uncertain Significance.

NM_139343.3(BIN1):c.969_980del (p.Pro324_Thr327del)

Gene: BIN1 (bridging integrator 1; minus strand). Cytogenetic location: 2q14.3.
Variant type: Deletion.
Coding change: c.969_980del on transcript NM_139343.3 (MANE Select); coding-DNA positions 969 to 980, 12 bases deleted (GCCCGGGGCCAC).
Protein change: p.Pro324_Thr327del.
Molecular consequence: inframe deletion.
Genome position (GRCh38, 1-based): chr2:127,059,033-127,059,044, GTGGCCCCGGGC deleted on the plus strand (GCCCGGGGCCAC on the coding strand, the reverse complement: BIN1 is on the minus strand); deleting any 12 consecutive bases within chr2:127,059,033-127,059,053 gives the same sequence; the c. name uses the placement nearest the transcript's 3' end. VCF-style (leftmost placement, unchanged base first): chr2-127059032-GGTGGCCCCGGGC-G. GRCh37 (hg19) VCF-style: chr2-127816608-GGTGGCCCCGGGC-G.
Other names: c.921_932del, p.Pro308_Thr311del (NM_001320632.2, NM_004305.4, NM_139346.3); c.969_980del, p.Pro324_Thr327del (NM_001320633.2, NM_001320640.2, NM_139344.3 and 1 more transcripts); c.804_815del, p.Pro269_Thr272del (NM_001320634.1); c.876_887del, p.Pro293_Thr296del (NM_001320641.2, NM_139347.3, NM_139348.3 and 3 more transcripts); c.888_899del, p.Pro297_Thr300del (NM_001320642.1).
Identifiers: ClinVar variation 1947490 (VCV001947490.5), dbSNP rs754515412, ClinGen allele CA535637086.
Genomic context (GRCh38, chr2:127,059,032, plus strand): 5'-GGGAGGGCAGGGGACCTGCTACCAAGACATCACTCCTACCTGAGATGGGGACTTGGGGAG[GGTGGCCCCGGGC>G]GTGGCCCCGCCGGCCGGCTCTGGCTCGTGGTTGACTCTGATCTCGGGGGTGGCGGCAGGG-3'